The following is an entry in ClinVar:

ClinVar aggregate classification (germline): Uncertain significance. Review status: criteria provided, multiple submitters, no conflicts (2 of 4 stars). 6 submissions from 6 submitters: Uncertain significance (6). Last evaluated 2025-11-01.

Conditions:
LRP5-related disorder. Also called: LRP5-related condition.
Polycystic liver disease 4 with or without kidney cysts. Identifiers: MedGen C4693479, MONDO:0044327, OMIM 617875.
Osteoporosis with pseudoglioma (OPPG). Also called: osteoporosis-pseudoglioma syndrome. Identifiers: Orphanet 2788, MedGen C0432252, MONDO:0009820, OMIM 259770.
Exudative vitreoretinopathy 1 (EVR1). Also called: CRISWICK-SCHEPENS SYNDROME; FEVR, AUTOSOMAL DOMINANT; Familial exudative vitreoretinopathy, autosomal dominant. Identifiers: Orphanet 891, Orphanet 90050, MedGen C1851402, MONDO:0007589, OMIM 133780.
Autosomal dominant osteopetrosis 1 (OPTA1). Also called: OSTEOPETROSIS, AUTOSOMAL DOMINANT, TYPE I. Identifiers: Orphanet 2783, MedGen C1843330, MONDO:0011877, OMIM 607634.
Exudative vitreoretinopathy 4 (EVR4). Identifiers: Orphanet 891, MedGen C1866176, MONDO:0011151, OMIM 601813.
Worth disease. Also called: Autosomal dominant osteosclerosis, Worth type; ENDOSTEAL HYPEROSTOSIS, AUTOSOMAL DOMINANT; OSTEOSCLEROSIS, AUTOSOMAL DOMINANT. Identifiers: Orphanet 2790, MedGen C0432273, MONDO:0007764, OMIM 144750.
Bone mineral density quantitative trait locus 1 (BMND1). Identifiers: MedGen C1866079, OMIM 601884.
Osteoporosis. Identifiers: MedGen C0029456, MONDO:0005298, OMIM 166710, HP:0000939.
Inborn genetic diseases. Identifiers: MedGen C0950123, MeSH D030342.

Allele frequency attached by ClinVar (database versions not stated): gnomAD exomes 0.00001; gnomAD 0.00002; TOPMed 0.00005.
gnomAD v4.1: 14 of 1,614,010 alleles (0.00087%); highest among the groups gnomAD compares: Non-Finnish European, 0.001%; no homozygotes.

Submissions (6):

PreventionGenetics, part of Exact Sciences
Classification: Uncertain significance for LRP5-related condition. Last evaluated: 2025-11-01. Review status: criteria provided, single submitter. Criteria: ACMG Guidelines, 2015. Collection method: clinical testing. Allele origin: germline.
Comment: The LRP5 c.3679A>G variant is predicted to result in the amino acid substitution p.Ile1227Val. To our knowledge, this variant has not been reported in the literature. This variant is reported in 0.0026% of alleles in individuals of European (Non-Finnish) descent in gnomAD. At this time, the clinical significance of this variant is uncertain due to the absence of conclusive functional and genetic evidence.

Ambry Genetics
Classification: Uncertain significance for Inborn genetic diseases. Last evaluated: 2025-05-29. Review status: criteria provided, single submitter. Criteria: Ambry Variant Classification Scheme 2023. Collection method: clinical testing. Allele origin: germline.

Labcorp Genetics (formerly Invitae), Labcorp
Classification: Uncertain significance. Last evaluated: 2025-02-09. Review status: criteria provided, single submitter. Criteria: Invitae Variant Classification Sherloc (09022015). Collection method: clinical testing. Allele origin: germline.
Comment: This sequence change replaces isoleucine, which is neutral and non-polar, with valine, which is neutral and non-polar, at codon 1227 of the LRP5 protein (p.Ile1227Val). This variant is present in population databases (no rsID available, gnomAD 0.003%). This variant has not been reported in the literature in individuals affected with LRP5-related conditions. ClinVar contains an entry for this variant (Variation ID: 1009494). Invitae Evidence Modeling of protein sequence and biophysical properties (such as structural, functional, and spatial information, amino acid conservation, physicochemical variation, residue mobility, and thermodynamic stability) indicates that this missense variant is not expected to disrupt LRP5 protein function with a negative predictive value of 95%. In summary, the available evidence is currently insufficient to determine the role of this variant in disease. Therefore, it has been classified as a Variant of Uncertain Significance.

Blueprint Genetics
Classification: Uncertain significance. Last evaluated: 2024-04-30. Review status: criteria provided, single submitter. Criteria: ACMG Guidelines, 2015. Collection method: clinical testing. Allele origin: germline.

Johns Hopkins Genomics, Johns Hopkins University
Classification: Uncertain significance for Polycystic liver disease 4 with or without kidney cysts. Last evaluated: 2023-05-25. Review status: criteria provided, single submitter. Criteria: ACMG Guidelines, 2015. Collection method: clinical testing. Allele origin: germline.
Comment: This LRP5 missense variant (rs949211640) is rare (<0.1%) in a large population dataset (gnomAD v2.1.1: 3/251420 total alleles; 0.001%; no homozygotes). It has been reported in ClinVar (Variation ID 1009494), but has not been reported in the literature, to our knowledge. Of two bioinformatics tools queried, one predicts that the substitution would be damaging, while the other predicts that it would be tolerated. The isoleucine residue at this position is evolutionarily conserved across most of the species assessed. At this time, there is limited evidence for the association of LRP5 with polycystic liver disease 4 with or without kidney cysts. We consider the clinical significance of c.3679A>G in LRP5 to be uncertain.

Fulgent Genetics
Classification: Uncertain significance for Exudative vitreoretinopathy 1; Worth disease; Osteoporosis; Osteoporosis with pseudoglioma; Exudative vitreoretinopathy 4; Bone mineral density quantitative trait locus 1; Autosomal dominant osteopetrosis 1; Polycystic liver disease 4 with or without kidney cysts. Last evaluated: 2022-01-18. Review status: criteria provided, single submitter. Criteria: ACMG Guidelines, 2015. Collection method: clinical testing. Allele origin: unknown.

NM_002335.4(LRP5):c.3679A>G (p.Ile1227Val)

Gene: LRP5 (LDL receptor related protein 5; plus strand). Cytogenetic location: 11q13.2.
Variant type: single nucleotide variant.
Coding change: c.3679A>G on transcript NM_002335.4 (MANE Select); coding-DNA position 3679, A replaced by G.
Protein change: p.Ile1227Val; replaces isoleucine 1227 with valine.
Molecular consequence: missense variant.
Genome position (GRCh38, 1-based): chr11:68,429,616, A>G. VCF-style: chr11-68429616-A-G. GRCh37 (hg19) VCF-style: chr11-68197084-A-G.
Other names: c.1936A>G, p.Ile646Val (NM_001291902.2); c.3679A>G (NM_002335.2, NM_002335.3); short protein forms I1227V, I646V.
Identifiers: ClinVar variation 1009494 (VCV001009494.15), dbSNP rs949211640, ClinGen allele CA224248475.